The following is an entry in ClinVar:

ClinVar aggregate classification (germline): Pathogenic (1 of 4 stars; one submission).

Conditions:
Long QT syndrome (LQTS). Identifiers: MedGen C0023976, MeSH D008133, MONDO:0002442. Disease mechanism: loss of function. Inheritance: Various modes of inheritance.

Submission:

Labcorp Genetics (formerly Invitae), Labcorp
Classification: Pathogenic for Long QT syndrome. Last evaluated: 2024-05-06. Review status: criteria provided, single submitter. Criteria: Invitae Variant Classification Sherloc (09022015). Collection method: clinical testing. Allele origin: germline.
Comment: This sequence change replaces tyrosine, which is neutral and polar, with phenylalanine, which is neutral and non-polar, at codon 545 of the KCNQ1 protein (p.Tyr545Phe). This variant is not present in population databases (gnomAD no frequency). This missense change has been observed in individual(s) with clinical features of KCNQ1-related conditions (Invitae). In at least one individual the variant was observed to be de novo. Advanced modeling of protein sequence and biophysical properties (such as structural, functional, and spatial information, amino acid conservation, physicochemical variation, residue mobility, and thermodynamic stability) performed at Invitae indicates that this missense variant is expected to disrupt KCNQ1 protein function with a positive predictive value of 95%. For these reasons, this variant has been classified as Pathogenic.

NM_000218.3(KCNQ1):c.1634A>T (p.Tyr545Phe)

Gene: KCNQ1 (potassium voltage-gated channel subfamily Q member 1; plus strand). Cytogenetic location: 11p15.5.
Variant type: single nucleotide variant.
Coding change: c.1634A>T on transcript NM_000218.3 (MANE Select); coding-DNA position 1634, A replaced by T.
Protein change: p.Tyr545Phe; replaces tyrosine 545 with phenylalanine.
Molecular consequence: missense variant.
Genome position (GRCh38, 1-based): chr11:2,776,003, A>T. VCF-style: chr11-2776003-A-T. GRCh37 (hg19) VCF-style: chr11-2797233-A-T.
Other names: c.1538A>T, p.Tyr513Phe (NM_001406836.1); c.1364A>T, p.Tyr455Phe (NM_001406837.1); c.1094A>T, p.Tyr365Phe (NM_001406838.1); c.1253A>T, p.Tyr418Phe (NM_181798.2); short protein forms Y418F, Y545F, Y365F, Y455F, Y513F.
Identifiers: ClinVar variation 2770494 (VCV002770494.3), dbSNP rs2494138876, ClinGen allele CA379139149.